The following is an entry in ClinVar:

NM_022124.6(CDH23):c.6013G>T (p.Ala2005Ser)

Gene: CDH23 (cadherin related 23; plus strand). Cytogenetic location: 10q22.1.
Variant type: single nucleotide variant.
Coding change: c.6013G>T on transcript NM_022124.6 (MANE Select); coding-DNA position 6013, G replaced by T.
Protein change: p.Ala2005Ser; replaces alanine 2005 with serine.
Molecular consequence: missense variant.
Genome position (GRCh38, 1-based): chr10:71,790,377, G>T. VCF-style: chr10-71790377-G-T. GRCh37 (hg19) VCF-style: chr10-73550134-G-T.
Other names: short protein forms A2005S.
Identifiers: ClinVar variation 4986754 (VCV004986754.1).
Genomic context (GRCh38, chr10:71,790,377, plus strand): 5'-ATCCTGGCCCTGGATGCAGACCAAGACATCTACGCCGTGGTGACCTACCAGCTGCTGGGT[G>T]CCCAGAGTGGCCTCTTTGACATCAACAGCAGCACCGGTGAGGCCTCTGTGCCACCCAGCA-3'
Protein context (NP_071407.4, residues 1995-2015): YAVVTYQLLG[Ala2005Ser]QSGLFDINSS

ClinVar aggregate classification (germline): Uncertain significance (1 of 4 stars; one submission).

Conditions:
CDH23-related disorder. Also called: CDH23-related condition; CDH23-related disorders.

gnomAD v4.1: 1 of 1,613,544 alleles (0.000062%); highest among the groups gnomAD compares: African/African-American, 0.0013%; no homozygotes.

Submission:

PreventionGenetics, part of Exact Sciences
Classification: Uncertain significance for CDH23-related condition. Last evaluated: 2026-03-09. Review status: criteria provided, single submitter. Criteria: ACMG Guidelines, 2015. Collection method: clinical testing. Allele origin: germline.
Comment: The CDH23 c.6013G>T variant is predicted to result in the amino acid substitution p.Ala2005Ser. To our knowledge, this variant has not been reported in the literature or in a large population database (gnomAD), indicating this variant is rare. At this time, the clinical significance of this variant is uncertain due to the absence of conclusive functional and genetic evidence.